The following is an entry in ClinVar:

NM_001170629.2(CHD8):c.6850C>A (p.His2284Asn)

Genes: CHD8 (chromodomain helicase DNA binding protein 8; minus strand), LOC126861888 (CDK7 strongly-dependent group 2 enhancer GRCh37_chr14:21859227-21860426; plus strand). Cytogenetic location: 14q11.2.
Variant type: single nucleotide variant.
Coding change: c.6850C>A on transcript NM_001170629.2 (MANE Select); coding-DNA position 6850, C replaced by A.
Protein change: p.His2284Asn; replaces histidine 2284 with asparagine.
Molecular consequence: missense variant.
Genome position (GRCh38, 1-based): chr14:21,391,868, G>T on the plus strand (C>A on the coding strand, the complement: CHD8 is on the minus strand). VCF-style: chr14-21391868-G-T. GRCh37 (hg19) VCF-style: chr14-21860027-G-T.
Other names: c.6013C>A, p.His2005Asn (NM_020920.4); short protein forms H2005N, H2284N.
Identifiers: ClinVar variation 1678814 (VCV001678814.5), dbSNP rs777463739, ClinGen allele CA7090667.
Genomic context (GRCh38, chr14:21,391,868, plus strand): 5'-GTTAAAGACTTTCTCTACCACTCACCTCTACTAGCTTCTTTCTGTTCCCCTTCTTCTTAT[G>T]AAACAGTGGATGTCCATCTCCCATTACTCCATTCGCCATCAACTTGTGCTTCTGGAATGT-3'
Protein context (NP_001164100.1, residues 2274-2294): GVMGDGHPLF[His2284Asn]KKKGNRKKLV

ClinVar aggregate classification (germline): Likely benign. Review status: criteria provided, multiple submitters, no conflicts (2 of 4 stars). 2 submissions from 2 submitters: Likely benign (2). Last evaluated 2024-10-28.

Allele frequency attached by ClinVar (database versions not stated): gnomAD exomes 0.00004; ExAC 0.00005; TOPMed 0.00001; gnomAD 0.00002.
gnomAD v4.1: 12 of 1,613,492 alleles (0.00074%); highest among the groups gnomAD compares: East Asian, 0.027%; no homozygotes.

Submissions (2):

Labcorp Genetics (formerly Invitae), Labcorp
Classification: Likely benign. Last evaluated: 2024-10-28. Review status: criteria provided, single submitter. Criteria: Invitae Variant Classification Sherloc (09022015). Collection method: clinical testing. Allele origin: germline.

GeneDx
Classification: Likely benign. Last evaluated: 2020-04-13. Review status: criteria provided, single submitter. Criteria: GeneDx Variant Classification Process June 2021. Collection method: clinical testing. Allele origin: germline. Affected: yes.
Comment: See Variant Classification Assertion Criteria.